The following is an entry in ClinVar:

ClinVar aggregate classification (germline): Likely pathogenic (1 of 4 stars; one submission).

Conditions:
Dilated cardiomyopathy 1KK (CMD1KK). Identifiers: Orphanet 154, Orphanet 75249, MedGen C3714995, MONDO:0014100, OMIM 615248.

Allele frequency attached by ClinVar (database versions not stated): gnomAD exomes below 0.00001; ExAC 0.00001.
gnomAD v4.1: 1 of 1,613,922 alleles (0.000062%); highest among the groups gnomAD compares: Admixed American, 0.0017%; no homozygotes.

Submission:

Labcorp Genetics (formerly Invitae), Labcorp
Classification: Likely pathogenic for Dilated cardiomyopathy 1KK. Last evaluated: 2021-10-18. Review status: criteria provided, single submitter. Criteria: Invitae Variant Classification Sherloc (09022015). Collection method: clinical testing. Allele origin: germline.
Comment: In summary, the currently available evidence indicates that the variant is pathogenic, but additional data are needed to prove that conclusively. Therefore, this variant has been classified as Likely Pathogenic. Algorithms developed to predict the effect of sequence changes on RNA splicing suggest that this variant may disrupt the consensus splice site. This variant has not been reported in the literature in individuals affected with MYPN-related conditions. This variant is present in population databases (rs746850858, ExAC 0.009%). This sequence change affects an acceptor splice site in intron 11 of the MYPN gene. It is expected to disrupt RNA splicing. Variants that disrupt the donor or acceptor splice site typically lead to a loss of protein function (PMID: 16199547), and loss-of-function variants in MYPN are known to be pathogenic (PMID: 28017374).

Literature cited by the submitters: PubMed 16199547; PubMed 28017374.

NM_032578.4(MYPN):c.2565-2A>G

Gene: MYPN (myopalladin; plus strand). Cytogenetic location: 10q21.3.
Variant type: single nucleotide variant.
Coding change: c.2565-2A>G on transcript NM_032578.4 (MANE Select); the canonical splice acceptor site of the intron before coding-DNA position 2565, A replaced by G.
Molecular consequence: splice acceptor variant.
Genome position (GRCh38, 1-based): chr10:68,175,321, A>G. VCF-style: chr10-68175321-A-G. GRCh37 (hg19) VCF-style: chr10-69935078-A-G.
Other names: c.2565-2A>G (NM_001256267.2); c.1683-2A>G (NM_001256268.2).
Identifiers: ClinVar variation 1525540 (VCV001525540.6), dbSNP rs746850858, ClinGen allele CA5522821.